The following is an entry in ClinVar:

ClinVar aggregate classification (germline): Benign (0 of 4 stars; one submission).

Conditions:
PLXNA3-related disorder. Also called: PLXNA3-related condition.

Allele frequency attached by ClinVar (database versions not stated): 1000 Genomes Project 30x 0.00832; 1000 Genomes Project 0.00874; ExAC 0.01708; gnomAD 0.01871; TOPMed 0.01911; ESP Exome Variant Server 0.02209; gnomAD exomes 0.02833.
gnomAD v4.1: 32,871 of 1,205,330 alleles (2.7%); highest among the groups gnomAD compares: Non-Finnish European, 3.3%; 407 homozygotes.

Submission:

PreventionGenetics, part of Exact Sciences
Classification: Benign for PLXNA3-related condition. Last evaluated: 2019-06-13. Review status: no assertion criteria provided. Collection method: clinical testing. Allele origin: germline.
Comment: This variant is classified as benign based on ACMG/AMP sequence variant interpretation guidelines (Richards et al. 2015 PMID: 25741868, with internal and published modifications).

NM_017514.5(PLXNA3):c.2529G>A (p.Thr843=)

Gene: PLXNA3 (plexin A3; plus strand). Cytogenetic location: Xq28.
Variant type: single nucleotide variant.
Coding change: c.2529G>A on transcript NM_017514.5 (MANE Select); coding-DNA position 2529, G replaced by A.
Protein change: p.Thr843=; no amino-acid change (threonine 843 retained).
Molecular consequence: synonymous variant.
Genome position (GRCh38, 1-based): chrX:154,465,844, G>A. VCF-style: chrX-154465844-G-A. GRCh37 (hg19) VCF-style: chrX-153694187-G-A.
Identifiers: ClinVar variation 3041296 (VCV003041296.2), dbSNP rs35567597, ClinGen allele CA10564391.